The following is an entry in ClinVar:

ClinVar aggregate classification (germline): Uncertain significance (1 of 4 stars; one submission).

Conditions:
Hereditary cancer-predisposing syndrome. Also called: Hereditary Cancer Syndrome; Neoplastic Syndromes, Hereditary; Tumor predisposition; Hereditary neoplastic syndrome. Identifiers: Orphanet 140162, MedGen C0027672, MeSH D009386, MONDO:0015356.

Allele frequency attached by ClinVar (database versions not stated): gnomAD exomes below 0.00001.
gnomAD v4.1: 1 of 1,614,228 alleles (0.000062%); highest among the groups gnomAD compares: Non-Finnish European, 0.000085%; no homozygotes.

Submission:

Ambry Genetics
Classification: Uncertain significance for Hereditary cancer-predisposing syndrome. Last evaluated: 2023-11-02. Review status: criteria provided, single submitter. Criteria: Ambry Variant Classification Scheme 2023. Collection method: clinical testing. Allele origin: germline.
Comment: The p.N167Y variant (also known as c.499A>T), located in coding exon 3 of the XRCC2 gene, results from an A to T substitution at nucleotide position 499. The asparagine at codon 167 is replaced by tyrosine, an amino acid with dissimilar properties. This amino acid position is conserved. In addition, this alteration is predicted to be tolerated by in silico analysis. Since supporting evidence is limited at this time, the clinical significance of this alteration remains unclear.

NM_005431.2(XRCC2):c.499A>T (p.Asn167Tyr)

Gene: XRCC2 (X-ray repair cross complementing 2; minus strand). Cytogenetic location: 7q36.1.
Variant type: single nucleotide variant.
Coding change: c.499A>T on transcript NM_005431.2 (MANE Select); coding-DNA position 499, A replaced by T.
Protein change: p.Asn167Tyr; replaces asparagine 167 with tyrosine.
Molecular consequence: missense variant.
Genome position (GRCh38, 1-based): chr7:152,648,986, T>A on the plus strand (A>T on the coding strand, the complement: XRCC2 is on the minus strand). VCF-style: chr7-152648986-T-A. GRCh37 (hg19) VCF-style: chr7-152346071-T-A.
Other names: short protein forms N167Y.
Identifiers: ClinVar variation 1744636 (VCV001744636.2), dbSNP rs2485881175, ClinGen allele CA370198561.